The following is an entry in ClinVar:

NM_001379500.1(COL18A1):c.296G>A (p.Arg99Gln)

Gene: COL18A1 (collagen type XVIII alpha 1 chain; plus strand). Cytogenetic location: 21q22.3.
Variant type: single nucleotide variant.
Coding change: c.296G>A on transcript NM_001379500.1 (MANE Select); coding-DNA position 296, G replaced by A.
Protein change: p.Arg99Gln; replaces arginine 99 with glutamine.
Molecular consequence: missense variant.
Genome position (GRCh38, 1-based): chr21:45,468,431, G>A. VCF-style: chr21-45468431-G-A. GRCh37 (hg19) VCF-style: chr21-46888345-G-A.
Other names: c.836G>A (NM_030582.3); c.836G>A, p.Arg279Gln (NM_030582.4); c.1541G>A, p.Arg514Gln (NM_130444.3); short protein forms R99Q, R279Q, R514Q.
Identifiers: ClinVar variation 1443745 (VCV001443745.6), dbSNP rs375588763, ClinGen allele CA10065715.

ClinVar aggregate classification (germline): Uncertain significance. Review status: criteria provided, multiple submitters, no conflicts (2 of 4 stars). 2 submissions from 2 submitters: Uncertain significance (2). Last evaluated 2025-09-09.

Conditions:
COL18A1-related disorder. Also called: COL18A1-related disorders; COL18A1-related condition.

Allele frequency attached by ClinVar (database versions not stated): gnomAD exomes 0.00001 and 0.00002; ExAC 0.00003; gnomAD 0.00003; ESP Exome Variant Server 0.00008; 1000 Genomes Project 30x 0.00016; 1000 Genomes Project 0.00020.
gnomAD v4.1: 22 of 1,614,032 alleles (0.0014%); highest among the groups gnomAD compares: East Asian, 0.011%; no homozygotes.

Submissions (2):

PreventionGenetics, part of Exact Sciences
Classification: Uncertain significance for COL18A1-related condition. Last evaluated: 2025-09-09. Review status: criteria provided, single submitter. Criteria: ACMG Guidelines, 2015. Collection method: clinical testing. Allele origin: germline.
Comment: The COL18A1 c.836G>A variant is predicted to result in the amino acid substitution p.Arg279Gln. To our knowledge, this variant has not been reported in the literature. This variant is reported in 0.0051% of alleles in individuals of East Asian descent in gnomAD. At this time, the clinical significance of this variant is uncertain due to the absence of conclusive functional and genetic evidence.

Labcorp Genetics (formerly Invitae), Labcorp
Classification: Uncertain significance. Last evaluated: 2024-06-17. Review status: criteria provided, single submitter. Criteria: Invitae Variant Classification Sherloc (09022015). Collection method: clinical testing. Allele origin: germline.
Comment: This sequence change replaces arginine, which is basic and polar, with glutamine, which is neutral and polar, at codon 99 of the COL18A1 protein (p.Arg99Gln). This variant is present in population databases (rs375588763, gnomAD 0.005%). This variant has not been reported in the literature in individuals affected with COL18A1-related conditions. ClinVar contains an entry for this variant (Variation ID: 1443745). Experimental studies and prediction algorithms are not available or were not evaluated, and the functional significance of this variant is currently unknown. In summary, the available evidence is currently insufficient to determine the role of this variant in disease. Therefore, it has been classified as a Variant of Uncertain Significance.